The following is an entry in ClinVar:

ClinVar aggregate classification (germline): Benign. Review status: criteria provided, multiple submitters, no conflicts (2 of 4 stars). 2 submissions from 2 submitters: Benign (2). Last evaluated 2018-06-19.

Allele frequency attached by ClinVar (database versions not stated): ExAC 0.01715; 1000 Genomes Project 0.04613; gnomAD 0.04698 and 0.05072; 1000 Genomes Project 30x 0.04841; ESP Exome Variant Server 0.05208; TOPMed 0.05365.
gnomAD v4.1: 14,339 of 1,607,728 alleles (0.89%); highest among the groups gnomAD compares: African/African-American, 16%; 1,084 homozygotes.

Submissions (2):

GeneDx
Classification: Benign. Last evaluated: 2018-06-19. Review status: criteria provided, single submitter. Criteria: GeneDx Variant Classification (06012015). Collection method: clinical testing. Allele origin: germline. Affected: yes.
Comment: This variant is considered likely benign or benign based on one or more of the following criteria: it is a conservative change, it occurs at a poorly conserved position in the protein, it is predicted to be benign by multiple in silico algorithms, and/or has population frequency not consistent with disease.

Breakthrough Genomics
Classification: Benign. Review status: criteria provided, single submitter. Criteria: ACMG Guidelines, 2015. Collection method: not provided. Allele origin: germline. Inheritance: Autosomal recessive inheritance. Affected: yes.

NM_201384.3(PLEC):c.1418+40C>T

Gene: PLEC (plectin; minus strand). Cytogenetic location: 8q24.3.
Variant type: single nucleotide variant.
Coding change: c.1418+40C>T on transcript NM_201384.3 (MANE Select); 40 bases into the intron after coding-DNA position 1418, C replaced by T.
Molecular consequence: intron variant.
Genome position (GRCh38, 1-based): chr8:143,933,157, G>A on the plus strand (C>T on the coding strand, the complement: PLEC is on the minus strand). VCF-style: chr8-143933157-G-A. GRCh37 (hg19) VCF-style: chr8-145007325-G-A.
Other names: c.1499+40C>T (NM_000445.5); c.1376+40C>T (NM_201378.4); c.1352+40C>T (NM_201379.3); c.1829+40C>T (NM_201380.4); c.1322+40C>T (NM_201381.3); c.1418+40C>T (NM_201382.4); c.1430+40C>T (NM_201383.3).
Identifiers: ClinVar variation 678404 (VCV000678404.2), dbSNP rs115492306, ClinGen allele CA4927978.